The following is an entry in ClinVar:

NM_000720.4(CACNA1D):c.1145C>T (p.Pro382Leu)

Gene: CACNA1D (calcium voltage-gated channel subunit alpha1 D; plus strand). Cytogenetic location: 3p21.1.
Variant type: single nucleotide variant.
Coding change: c.1145C>T on transcript NM_000720.4 (MANE Plus Clinical); coding-DNA position 1145, C replaced by T.
Protein change: p.Pro382Leu; replaces proline 382 with leucine.
Molecular consequence: missense variant. On other transcripts: intron variant (2).
Genome position (GRCh38, 1-based): chr3:53,673,741, C>T. VCF-style: chr3-53673741-C-T. GRCh37 (hg19) VCF-style: chr3-53707768-C-T.
Other names: c.1145C>T (NM_000720.2); c.1220+615C>T (NM_001128840.3, NM_001128839.3); short protein forms P382L.
Identifiers: ClinVar variation 1958829 (VCV001958829.7), dbSNP rs2473109767, ClinGen allele CA353384056.

ClinVar aggregate classification (germline): Uncertain significance. Review status: criteria provided, multiple submitters, no conflicts (2 of 4 stars). 3 submissions from 3 submitters: Uncertain significance (3). Last evaluated 2024-05-09.

Allele frequency attached by ClinVar (database versions not stated): gnomAD exomes below 0.00001.
gnomAD v4.1: 1 of 1,613,464 alleles (0.000062%); highest among the groups gnomAD compares: Middle Eastern, 0.017%; no homozygotes.

Submissions (3):

Blueprint Genetics
Classification: Uncertain significance. Last evaluated: 2024-05-09. Review status: criteria provided, single submitter. Criteria: ACMG Guidelines, 2015. Collection method: clinical testing. Allele origin: germline.

GeneDx
Classification: Uncertain significance. Last evaluated: 2022-10-23. Review status: criteria provided, single submitter. Criteria: GeneDx Variant Classification Process June 2021. Collection method: clinical testing. Allele origin: germline. Affected: yes.
Comment: Not observed at significant frequency in large population cohorts (gnomAD); In silico analysis supports that this missense variant has a deleterious effect on protein structure/function; Has not been previously published as pathogenic or benign to our knowledge

Labcorp Genetics (formerly Invitae), Labcorp
Classification: Uncertain significance. Last evaluated: 2022-02-25. Review status: criteria provided, single submitter. Criteria: Invitae Variant Classification Sherloc (09022015). Collection method: clinical testing. Allele origin: germline.
Comment: In summary, the available evidence is currently insufficient to determine the role of this variant in disease. Therefore, it has been classified as a Variant of Uncertain Significance. Algorithms developed to predict the effect of missense changes on protein structure and function (SIFT, PolyPhen-2, Align-GVGD) all suggest that this variant is likely to be disruptive. This variant has not been reported in the literature in individuals affected with CACNA1D-related conditions. This variant is not present in population databases (gnomAD no frequency). This sequence change replaces proline, which is neutral and non-polar, with leucine, which is neutral and non-polar, at codon 382 of the CACNA1D protein (p.Pro382Leu).